The following is an entry in ClinVar:

ClinVar aggregate classification (germline): Uncertain significance (1 of 4 stars; one submission).

gnomAD v4.1: 27 of 1,613,286 alleles (0.0017%); highest among the groups gnomAD compares: Non-Finnish European, 0.0022%; no homozygotes.

Submission:

Labcorp Genetics (formerly Invitae), Labcorp
Classification: Uncertain significance. Last evaluated: 2024-02-14. Review status: criteria provided, single submitter. Criteria: Invitae Variant Classification Sherloc (09022015). Collection method: clinical testing. Allele origin: germline.
Comment: This sequence change replaces proline, which is neutral and non-polar, with glutamine, which is neutral and polar, at codon 1271 of the OTOGL protein (p.Pro1271Gln). This variant is present in population databases (no rsID available, gnomAD 0.007%). This variant has not been reported in the literature in individuals affected with OTOGL-related conditions. An algorithm developed to predict the effect of missense changes on protein structure and function (PolyPhen-2) suggests that this variant is likely to be disruptive. In summary, the available evidence is currently insufficient to determine the role of this variant in disease. Therefore, it has been classified as a Variant of Uncertain Significance.

NM_001378609.3(OTOGL):c.3839C>A (p.Pro1280Gln)

Gene: OTOGL (otogelin like; plus strand). Cytogenetic location: 12q21.31.
Variant type: single nucleotide variant.
Coding change: c.3839C>A on transcript NM_001378609.3 (MANE Select); coding-DNA position 3839, C replaced by A.
Protein change: p.Pro1280Gln; replaces proline 1280 with glutamine.
Molecular consequence: missense variant.
Genome position (GRCh38, 1-based): chr12:80,320,458, C>A. VCF-style: chr12-80320458-C-A. GRCh37 (hg19) VCF-style: chr12-80714238-C-A.
Other names: c.3704C>A, p.Pro1235Gln (NM_001368062.3); c.3839C>A, p.Pro1280Gln (NM_001378610.3, NM_173591.7); short protein forms P1235Q, P1280Q.
Identifiers: ClinVar variation 3616510 (VCV003616510.1).